The following is an entry in ClinVar:

ClinVar aggregate classification (germline): Uncertain significance (1 of 4 stars; one submission).

gnomAD v4.1: 9 of 1,614,062 alleles (0.00056%); highest among the groups gnomAD compares: Non-Finnish European, 0.00076%; no homozygotes.

Submission:

GeneDx
Classification: Uncertain significance. Last evaluated: 2024-05-01. Review status: criteria provided, single submitter. Criteria: GeneDx Variant Classification Process June 2021. Collection method: clinical testing. Allele origin: germline. Affected: yes.
Comment: Reported as one of multiple candidate gene variants identified in a patient with bone marrow failure from a cohort of families with hematological syndromes (PMID: 32098966); Not observed at significant frequency in large population cohorts (gnomAD); In silico analysis supports that this missense variant has a deleterious effect on protein structure/function; This variant is associated with the following publications: (PMID: 32098966)

NM_016239.4(MYO15A):c.5171G>T (p.Arg1724Leu)

Gene: MYO15A (myosin XVA; plus strand). Cytogenetic location: 17p11.2.
Variant type: single nucleotide variant.
Coding change: c.5171G>T on transcript NM_016239.4 (MANE Select); coding-DNA position 5171, G replaced by T.
Protein change: p.Arg1724Leu; replaces arginine 1724 with leucine.
Molecular consequence: missense variant.
Genome position (GRCh38, 1-based): chr17:18,139,571, G>T. VCF-style: chr17-18139571-G-T. GRCh37 (hg19) VCF-style: chr17-18042885-G-T.
Other names: short protein forms R1724L.
Identifiers: ClinVar variation 3252846 (VCV003252846.1), dbSNP rs774345883.